The following is an entry in ClinVar:

ClinVar aggregate classification (germline): Uncertain significance. Review status: criteria provided, multiple submitters, no conflicts (2 of 4 stars). 2 submissions from 2 submitters: Uncertain significance (2). Last evaluated 2025-10-17.

Conditions:
Inborn genetic diseases. Identifiers: MedGen C0950123, MeSH D030342.

Allele frequency attached by ClinVar (database versions not stated): gnomAD exomes below 0.00001; ExAC 0.00001; ESP Exome Variant Server 0.00008.
gnomAD v4.1: 6 of 1,614,034 alleles (0.00037%); highest among the groups gnomAD compares: Non-Finnish European, 0.00051%; no homozygotes.

Submissions (2):

Ambry Genetics
Classification: Uncertain significance for Inborn genetic diseases. Last evaluated: 2025-10-17. Review status: criteria provided, single submitter. Criteria: Ambry Variant Classification Scheme 2023. Collection method: clinical testing. Allele origin: germline.

Labcorp Genetics (formerly Invitae), Labcorp
Classification: Uncertain significance. Last evaluated: 2022-11-04. Review status: criteria provided, single submitter. Criteria: Invitae Variant Classification Sherloc (09022015). Collection method: clinical testing. Allele origin: germline.
Comment: In summary, the available evidence is currently insufficient to determine the role of this variant in disease. Therefore, it has been classified as a Variant of Uncertain Significance. Algorithms developed to predict the effect of missense changes on protein structure and function (SIFT, PolyPhen-2, Align-GVGD) all suggest that this variant is likely to be tolerated. This variant has not been reported in the literature in individuals affected with MACF1-related conditions. This variant is present in population databases (rs142880288, gnomAD 0.0009%). This sequence change replaces glutamine, which is neutral and polar, with glutamic acid, which is acidic and polar, at codon 623 of the MACF1 protein (p.Gln623Glu).

NM_001394062.1(MACF1):c.1852C>G (p.Gln618Glu)

Gene: MACF1 (microtubule actin crosslinking factor 1; plus strand). Cytogenetic location: 1p34.3.
Variant type: single nucleotide variant.
Coding change: c.1852C>G on transcript NM_001394062.1 (MANE Select); coding-DNA position 1852, C replaced by G.
Protein change: p.Gln618Glu; replaces glutamine 618 with glutamic acid.
Molecular consequence: missense variant.
Genome position (GRCh38, 1-based): chr1:39,291,976, C>G. VCF-style: chr1-39291976-C-G. GRCh37 (hg19) VCF-style: chr1-39757648-C-G.
Other names: c.1867C>G, p.Gln623Glu (NM_012090.5); c.1867C>G (NM_012090.4); short protein forms Q618E, Q623E.
Identifiers: ClinVar variation 2738640 (VCV002738640.4), dbSNP rs142880288, ClinGen allele CA779529.
Genomic context (GRCh38, chr1:39,291,976, plus strand): 5'-CTGGAGCGAGCAGAGTGGGGCAATGACCTGCCTAGTGTGGAGTTGCAGCTAGAAACACAG[C>G]AGCACATCCATACGAGTGTAGAAGAGCTGGGCTCAAGTGTCAAGGAGGCCAGGTTGTATG-3'
Protein context (NP_001380991.1, residues 608-628): PSVELQLETQ[Gln618Glu]HIHTSVEELG